The following is an entry in ClinVar:

NM_004448.4(ERBB2):c.1366C>T (p.Arg456Cys)

Gene: ERBB2 (erb-b2 receptor tyrosine kinase 2; plus strand). Cytogenetic location: 17q12.
Variant type: single nucleotide variant.
Coding change: c.1366C>T on transcript NM_004448.4 (MANE Select); coding-DNA position 1366, C replaced by T.
Protein change: p.Arg456Cys; replaces arginine 456 with cysteine.
Molecular consequence: missense variant. On other transcripts: non-coding transcript variant (1), intron variant (1).
Genome position (GRCh38, 1-based): chr17:39,715,792, C>T. VCF-style: chr17-39715792-C-T. GRCh37 (hg19) VCF-style: chr17-37872045-C-T.
Other names: c.1276C>T, p.Arg426Cys (NM_001382783.1, NM_001005862.3, NM_001289938.2 and 1 more transcripts); c.1483C>T, p.Arg495Cys (NM_001382784.1, NM_001382786.1); c.1366C>T, p.Arg456Cys (NM_001382785.1, NM_001382788.1, NM_001382790.1 and 12 more transcripts); c.1441C>T, p.Arg481Cys (NM_001382787.1); c.1387C>T, p.Arg463Cys (NM_001382789.1); c.1357C>T, p.Arg453Cys (NM_001382791.1); c.1186C>T, p.Arg396Cys (NM_001382799.1); c.1108C>T, p.Arg370Cys (NM_001382802.1); and 3 more; short protein forms R180C, R370C, R396C, R426C, R441C, R453C, R456C, R463C.
Identifiers: ClinVar variation 1052661 (VCV001052661.9), dbSNP rs200497646, ClinGen allele CA8533969.
Genomic context (GRCh38, chr17:39,715,792, plus strand): 5'-TCCCATAGTGGCGCCTACTCGCTGACCCTGCAAGGGCTGGGCATCAGCTGGCTGGGGCTG[C>T]GCTCACTGAGGGAACTGGGCAGTGGACTGGCCCTCATCCACCATAACACCCACCTCTGCT-3'
Protein context (NP_004439.2, residues 446-466): QGLGISWLGL[Arg456Cys]SLRELGSGLA

ClinVar aggregate classification (germline): Uncertain significance (1 of 4 stars; one submission).

Allele frequency attached by ClinVar (database versions not stated): ExAC 0.00002; gnomAD 0.00002; gnomAD exomes 0.00004; TOPMed 0.00007.
gnomAD v4.1: 37 of 1,609,346 alleles (0.0023%); highest among the groups gnomAD compares: Admixed American, 0.015%; no homozygotes.

Submission:

Labcorp Genetics (formerly Invitae), Labcorp
Classification: Uncertain significance. Last evaluated: 2024-05-06. Review status: criteria provided, single submitter. Criteria: Invitae Variant Classification Sherloc (09022015). Collection method: clinical testing. Allele origin: germline.
Comment: This sequence change replaces arginine, which is basic and polar, with cysteine, which is neutral and slightly polar, at codon 456 of the ERBB2 protein (p.Arg456Cys). This variant is present in population databases (rs200497646, gnomAD 0.01%). This variant has not been reported in the literature in individuals affected with ERBB2-related conditions. ClinVar contains an entry for this variant (Variation ID: 1052661). Advanced modeling of protein sequence and biophysical properties (such as structural, functional, and spatial information, amino acid conservation, physicochemical variation, residue mobility, and thermodynamic stability) performed at Invitae indicates that this missense variant is not expected to disrupt ERBB2 protein function with a negative predictive value of 80%. In summary, the available evidence is currently insufficient to determine the role of this variant in disease. Therefore, it has been classified as a Variant of Uncertain Significance.